The following is an entry in ClinVar:

ClinVar aggregate classification (germline): Conflicting classifications of pathogenicity. Review status: criteria provided, conflicting classifications (1 of 4 stars). 5 submissions from 5 submitters: Uncertain significance (3); Likely benign (1). 1 of the submissions does not count toward it. Last evaluated 2023-07-18.

Conditions:
Hereditary cancer-predisposing syndrome. Also called: Tumor predisposition; Hereditary Cancer Syndrome; Neoplastic Syndromes, Hereditary; Hereditary neoplastic syndrome. Identifiers: Orphanet 140162, MedGen C0027672, MeSH D009386, MONDO:0015356.
Hereditary breast ovarian cancer syndrome. Also called: Hereditary breast and ovarian cancer; Hereditary breast and/or ovarian cancer syndrome; BRCA1- and BRCA2-Associated Hereditary Breast and Ovarian Cancer; Hereditary breast and ovarian cancer syndrome; Hereditary breast and ovarian cancer syndrome (HBOC); Breast and ovarian cancer. Identifiers: Orphanet 145, MedGen C0677776, MeSH D061325, MONDO:0003582. Disease mechanism: loss of function.
Breast-ovarian cancer, familial, susceptibility to, 2 (BROVCA2). Also called: BRCA2 Hereditary Breast and Ovarian Cancer. Identifiers: Orphanet 145, MedGen C2675520, MONDO:0012933, OMIM 612555. Disease mechanism: loss of function.

Submissions (5):

Labcorp Genetics (formerly Invitae), Labcorp
Classification: Uncertain significance for Hereditary breast ovarian cancer syndrome. Last evaluated: 2023-07-18. Review status: criteria provided, single submitter. Criteria: Invitae Variant Classification Sherloc (09022015). Collection method: clinical testing. Allele origin: germline.
Comment: In summary, the available evidence is currently insufficient to determine the role of this variant in disease. Therefore, it has been classified as a Variant of Uncertain Significance. Advanced modeling of protein sequence and biophysical properties (such as structural, functional, and spatial information, amino acid conservation, physicochemical variation, residue mobility, and thermodynamic stability) performed at Invitae indicates that this missense variant is not expected to disrupt BRCA2 protein function. ClinVar contains an entry for this variant (Variation ID: 126079). This variant has not been reported in the literature in individuals affected with BRCA2-related conditions. This variant is present in population databases (rs45491005, gnomAD 0.007%). This sequence change replaces aspartic acid, which is acidic and polar, with valine, which is neutral and non-polar, at codon 1923 of the BRCA2 protein (p.Asp1923Val).

University of Washington Department of Laboratory Medicine, University of Washington
Classification: Likely benign for Hereditary cancer-predisposing syndrome. Last evaluated: 2023-03-23. Review status: criteria provided, single submitter. Criteria: Dines et al. (Genet Med. 2020). Collection method: curation. Allele origin: germline.
Comment: Missense variant in a coldspot region where missense variants are very unlikely to be pathogenic (PMID:31911673).

BRCA2 exon 11 coldspot. Reclassification based on statistical prior probability.

GeneDx
Classification: Uncertain significance. Last evaluated: 2019-09-09. Review status: criteria provided, single submitter. Criteria: GeneDx Variant Classification Process June 2021. Collection method: clinical testing. Allele origin: germline. Affected: yes.
Comment: Not observed at a significant frequency in large population cohorts (Lek 2016); In silico analysis, which includes protein predictors and evolutionary conservation, supports a deleterious effect; Has not been previously published as pathogenic or benign to our knowledge; Also known as BRCA2 5996A>T; This variant is associated with the following publications: (PMID: 23704879)

Ambry Genetics
Classification: Uncertain significance for Hereditary cancer-predisposing syndrome. Last evaluated: 2019-07-15. Review status: criteria provided, single submitter. Criteria: Ambry Variant Classification Scheme 2023. Collection method: clinical testing. Allele origin: germline.
Comment: The p.D1923V variant (also known as c.5768A>T), located in coding exon 10 of the BRCA2 gene, results from an A to T substitution at nucleotide position 5768. The aspartic acid at codon 1923 is replaced by valine, an amino acid with highly dissimilar properties. This amino acid position is not well conserved in available vertebrate species. In addition, the in silico prediction for this alteration is inconclusive. Since supporting evidence is limited at this time, the clinical significance of this alteration remains unclear.

Breast Cancer Information Core (BIC) (BRCA2)
Classification: Uncertain significance for Breast-ovarian cancer, familial 2. Last evaluated: 2003-12-23. Review status: no assertion criteria provided. Collection method: clinical testing. Allele origin: germline. Affected: yes. Observed: 1 variant allele. Not counted in ClinVar's aggregate classification.

NM_000059.4(BRCA2):c.5768A>T (p.Asp1923Val)

Gene: BRCA2 (BRCA2 DNA repair associated; plus strand). Cytogenetic location: 13q13.1.
Variant type: single nucleotide variant.
Coding change: c.5768A>T on transcript NM_000059.4 (MANE Select); coding-DNA position 5768, A replaced by T.
Protein change: p.Asp1923Val; replaces aspartic acid 1923 with valine.
Molecular consequence: missense variant.
Genome position (GRCh38, 1-based): chr13:32,340,123, A>T. VCF-style: chr13-32340123-A-T. GRCh37 (hg19) VCF-style: chr13-32914260-A-T.
Other names: short protein forms D1923V.
Identifiers: ClinVar variation 126079 (VCV000126079.15), dbSNP rs45491005, ClinGen allele CA023194.